The following is an entry in ClinVar:

ClinVar aggregate classification (germline): Uncertain significance (1 of 4 stars; one submission).

gnomAD v4.1: 2 of 1,613,490 alleles (0.00012%); highest among the groups gnomAD compares: Admixed American, 0.0017%; no homozygotes.

Submission:

Labcorp Genetics (formerly Invitae), Labcorp
Classification: Uncertain significance. Last evaluated: 2024-06-09. Review status: criteria provided, single submitter. Criteria: Invitae Variant Classification Sherloc (09022015). Collection method: clinical testing. Allele origin: germline.
Comment: This sequence change replaces valine, which is neutral and non-polar, with isoleucine, which is neutral and non-polar, at codon 308 of the CLCN7 protein (p.Val308Ile). This variant is present in population databases (no rsID available, gnomAD 0.003%). This variant has not been reported in the literature in individuals affected with CLCN7-related conditions. Advanced modeling of protein sequence and biophysical properties (such as structural, functional, and spatial information, amino acid conservation, physicochemical variation, residue mobility, and thermodynamic stability) performed at Invitae indicates that this missense variant is not expected to disrupt CLCN7 protein function with a negative predictive value of 95%. In summary, the available evidence is currently insufficient to determine the role of this variant in disease. Therefore, it has been classified as a Variant of Uncertain Significance.

NM_001287.6(CLCN7):c.922G>A (p.Val308Ile)

Gene: CLCN7 (chloride voltage-gated channel 7; minus strand). Cytogenetic location: 16p13.3.
Variant type: single nucleotide variant.
Coding change: c.922G>A on transcript NM_001287.6 (MANE Select); coding-DNA position 922, G replaced by A.
Protein change: p.Val308Ile; replaces valine 308 with isoleucine.
Molecular consequence: missense variant.
Genome position (GRCh38, 1-based): chr16:1,455,790, C>T on the plus strand (G>A on the coding strand, the complement: CLCN7 is on the minus strand). VCF-style: chr16-1455790-C-T. GRCh37 (hg19) VCF-style: chr16-1505791-C-T.
Other names: c.850G>A, p.Val284Ile (NM_001114331.3); short protein forms V308I, V284I.
Identifiers: ClinVar variation 3689853 (VCV003689853.2).
Genomic context (GRCh38, chr16:1,455,790, plus strand): 5'-CGATCCTCCAGGTCAGGAACTGGTTCCAGAAGGACGCACCCTCCTCCAAGCTGAACAGGA[C>T]CCCACCTGGAAGGCAGGCGGCCGGCTCGGGTGCCAGCTGGACACAGGGCACCATGCCCAC-3'
Protein context (NP_001278.1, residues 298-318): SAAFGAPVGG[Val308Ile]LFSLEEGASF